The following is an entry in ClinVar:

NM_001854.4(COL11A1):c.2295+6G>A

Gene: COL11A1 (collagen type XI alpha 1 chain; minus strand). Cytogenetic location: 1p21.1.
Variant type: single nucleotide variant.
Coding change: c.2295+6G>A on transcript NM_001854.4 (MANE Select); 6 bases into the intron after coding-DNA position 2295, G replaced by A.
Molecular consequence: intron variant.
Genome position (GRCh38, 1-based): chr1:102,995,983, C>T on the plus strand (G>A on the coding strand, the complement: COL11A1 is on the minus strand). VCF-style: chr1-102995983-C-T. GRCh37 (hg19) VCF-style: chr1-103461539-C-T.
Other names: c.2178+6G>A (NM_001190709.2); c.2331+6G>A (NM_080629.3); c.1947+6G>A (NM_080630.4); c.2295+6G>A (NM_001854.3).
Identifiers: ClinVar variation 1597514 (VCV001597514.12), dbSNP rs372529718, ClinGen allele CA974500.

ClinVar aggregate classification (germline): Likely benign. Review status: criteria provided, multiple submitters, no conflicts (2 of 4 stars). 4 submissions from 4 submitters: Likely benign (3). 1 of the submissions does not count toward it. Last evaluated 2025-11-23.

Conditions:
COL11A1-related disorder. Also called: COL11A1-related condition; COL11A1-related disorders.

Allele frequency attached by ClinVar (database versions not stated): gnomAD exomes 0.00004 and 0.00008; ESP Exome Variant Server 0.00008; ExAC 0.00011; gnomAD 0.00016 and 0.00019.
gnomAD v4.1: 93 of 1,613,264 alleles (0.0058%); highest among the groups gnomAD compares: African/African-American, 0.045%; 1 homozygote.

Submissions (4):

Labcorp Genetics (formerly Invitae), Labcorp
Classification: Likely benign. Last evaluated: 2025-11-23. Review status: criteria provided, single submitter. Criteria: Invitae Variant Classification Sherloc (09022015). Collection method: clinical testing. Allele origin: germline.

Blueprint Genetics
Classification: Likely benign. Last evaluated: 2024-11-22. Review status: criteria provided, single submitter. Criteria: ACMG Guidelines, 2015. Collection method: clinical testing. Allele origin: germline.

Women's Health and Genetics/Laboratory Corporation of America, LabCorp
Classification: Likely benign. Last evaluated: 2023-07-12. Review status: criteria provided, single submitter. Criteria: LabCorp Variant Classification Summary - May 2015. Collection method: clinical testing. Allele origin: germline.
Comment: Variant summary: COL11A1 c.2295+6G>A alters a non-conserved nucleotide located close to a canonical splice site and therefore could affect mRNA splicing, leading to a significantly altered protein sequence. 4/4 computational tools predict no significant impact on normal splicing. However, these predictions have yet to be confirmed by functional studies. The variant allele was found at a frequency of 0.00018 in 150902 control chromosomes, predominantly at a frequency of 0.00051 (i.e. 21 / 41428 alleles) within the African or African-American subpopulation in the gnomAD database (v3.1, genomes dataset). These data suggest that the variant is unlikely to be associated with an early onset, high penetrance autosomal dominant disease phenotype. To our knowledge, no occurrence of c.2295+6G>A in individuals affected with Stickler Syndrome and no experimental evidence demonstrating its impact on protein function have been reported. One submitter has cited clinical-significance assessments for this variant to ClinVar after 2014 and has classified the variant as likely benign. Based on the evidence outlined above, the variant was classified as uncertain significance.

PreventionGenetics, part of Exact Sciences
Classification: Likely benign for COL11A1-related condition. Last evaluated: 2024-01-11. Review status: no assertion criteria provided. Collection method: clinical testing. Allele origin: germline. Not counted in ClinVar's aggregate classification.
Comment: This variant is classified as likely benign based on ACMG/AMP sequence variant interpretation guidelines (Richards et al. 2015 PMID: 25741868, with internal and published modifications).